The following is an entry in ClinVar:

NM_005629.4(SLC6A8):c.-6G>T

Gene: SLC6A8 (solute carrier family 6 member 8; plus strand). Cytogenetic location: Xq28.
Variant type: single nucleotide variant.
Coding change: c.-6G>T on transcript NM_005629.4 (MANE Select); 6 bases upstream of the start codon, G replaced by T.
Molecular consequence: 5 prime UTR variant.
Genome position (GRCh38, 1-based): chrX:153,688,569, G>T. VCF-style: chrX-153688569-G-T. GRCh37 (hg19) VCF-style: chrX-152954024-G-T.
Other names: c.-6G>T (NM_001142805.2).
Identifiers: ClinVar variation 1698289 (VCV001698289.3), dbSNP rs1158351366, ClinGen allele CA2573051191.

ClinVar aggregate classification (germline): Uncertain significance (1 of 4 stars; one submission).

Submission:

GeneDx
Classification: Uncertain significance. Last evaluated: 2024-10-28. Review status: criteria provided, single submitter. Criteria: GeneDx Variant Classification Process June 2021. Collection method: clinical testing. Allele origin: germline.
Comment: Not observed at significant frequency in large population cohorts (gnomAD); Alters the Kozak sequence, which plays a major role in the initiation of translation; Has not been previously published as pathogenic or benign to our knowledge